The following is an entry in ClinVar:

Conditions:
Breast-ovarian cancer, familial, susceptibility to, 1 (BROVCA1). Also called: BRCA1 Hereditary Breast and Ovarian Cancer; OVARIAN CANCER, SUSCEPTIBILITY TO. Identifiers: Orphanet 145, MedGen C2676676, MONDO:0011450, OMIM 604370. Disease mechanism: loss of function.

Submission:

Brotman Baty Institute, University of Washington
No classification provided (evidence only). Condition: Breast-ovarian cancer, familial 1. Review status: no classification provided. Collection method: in vitro. Allele origin: not applicable. Functional consequence: functionally_normal.
ClinVar note: "not provided" was previously submitted as the classification for the variant. However, the classification appeared to be based only on an observation of functional data so it was converted to no classification on 2025-07-30.

NM_007294.4(BRCA1):c.5278-8T>G

Gene: BRCA1 (BRCA1 DNA repair associated; minus strand). Cytogenetic location: 17q21.31.
Variant type: single nucleotide variant.
Coding change: c.5278-8T>G on transcript NM_007294.4 (MANE Select); 8 bases into the intron before coding-DNA position 5278, T replaced by G.
Molecular consequence: intron variant.
Genome position (GRCh38, 1-based): chr17:43,051,125, A>C on the plus strand (T>G on the coding strand, the complement: BRCA1 is on the minus strand). VCF-style: chr17-43051125-A-C. GRCh37 (hg19) VCF-style: chr17-41203142-A-C.
Other names: c.1825-8T>G (NM_001408458.1, NM_001408461.1, NM_001408464.1 and 7 more transcripts); c.4387-8T>G (NM_001407967.1); c.4897-8T>G (NM_001407959.1); c.5011-8T>G (NM_001407931.1, NM_001407932.1, NM_001407928.1 and 4 more transcripts); c.5134-8T>G (NM_001407747.1, NM_001407745.1, NM_001407737.1 and 21 more transcripts); c.4894-8T>G (NM_001407962.1, NM_001407960.1); c.1465-8T>G (NM_001408512.1); c.1588-8T>G (NM_001408510.1); and 74 more.
Identifiers: ClinVar variation 867328 (VCV000867328.3), dbSNP rs2051216541, ClinGen allele CA916081064.
Genomic context (GRCh38, chr17:43,051,125, plus strand): 5'-GTGGGCATGTTGGTGAAGGGCCCATAGCAACAGATTTCTAGCCCCCTGAAGATCTGGAAG[A>C]AGAGAGGAAGAGAGAGGGACAGGGGAATGGAGAGAAGGAAAATCTAGTTATAAAAGAATA-3'